The following is an entry in ClinVar:

NM_000132.4(F8):c.6967C>G (p.Arg2323Gly)

Gene: F8 (coagulation factor VIII; minus strand). Cytogenetic location: Xq28.
Variant type: single nucleotide variant.
Coding change: c.6967C>G on transcript NM_000132.4 (MANE Select); coding-DNA position 6967, C replaced by G.
Protein change: p.Arg2323Gly; replaces arginine 2323 with glycine.
Molecular consequence: missense variant.
Genome position (GRCh38, 1-based): chrX:154,837,686, G>C on the plus strand (C>G on the coding strand, the complement: F8 is on the minus strand). VCF-style: chrX-154837686-G-C. GRCh37 (hg19) VCF-style: chrX-154065961-G-C.
Other names: c.562C>G, p.Arg188Gly (NM_019863.3); short protein forms R188G, R2323G.
Identifiers: ClinVar variation 618642 (VCV000618642.8), dbSNP rs137852473, ClinGen allele CA414897249.

ClinVar aggregate classification (germline): Likely pathogenic (1 of 4 stars; one submission).

Allele frequency attached by ClinVar (database versions not stated): TOPMed 0.00002.

Submission:

ARUP Laboratories, Molecular Genetics and Genomics, ARUP Laboratories
Classification: Likely pathogenic. Last evaluated: 2018-05-20. Review status: criteria provided, single submitter. Criteria: ARUP Molecular Germline Variant Investigation Process. Collection method: clinical testing. Allele origin: germline.
Comment: The F8 c.6967C>G; p.Arg2323Gly variant (rs137852473), also reported as Arg2304Gly, is reported in the medical literature in at least one individual with hemophilia A (Liu 2000). Additionally, other variants in the same codon, p.Arg2323Cys, p.Arg2323His, p.Arg2323Leu, p.Arg2323Pro, are also described in individuals with hemophilia A (Eckhardt 2013, Liu 2000, Schwaab 1995, Timur 2001). The p.Arg2323Gly variant is absent from general population databases (1000 Genomes Project, Exome Variant Server, and Genome Aggregation Database), indicating it is not a common polymorphism. The arginine at codon 2323 is highly conserved across species and computational analyses (SIFT, PolyPhen-2) predict that this variant is deleterious. Considering available information, this variant is classified as likely pathogenic. References: Eckhardt CL et al. Factor VIII gene (F8) mutation and risk of inhibitor development in nonsevere hemophilia A. Blood. 2013 Sep 12;122(11):1954-62. Liu ML et al. Hemophilic factor VIII C1- and C2-domain missense mutations and their modeling to the 1.5-angstrom human C2-domain crystal structure. Blood. 2000 Aug 1;96(3):979-87. Schwaab R et al. Characterization of mutations within the factor VIII gene of 73 unrelated mild and moderate haemophiliacs. Br J Haematol. 1995 Oct;91(2):458-64. Timur AA et al. Molecular pathology of haemophilia A in Turkish patients: identification of 36 independent mutations. Haemophilia. 2001 Sep;7(5):475-81.